The following is an entry in ClinVar:

NM_001101362.3(KBTBD13):c.861C>T (p.Phe287=)

Gene: KBTBD13 (kelch repeat and BTB domain containing 13; plus strand). Cytogenetic location: 15q22.31.
Variant type: single nucleotide variant.
Coding change: c.861C>T on transcript NM_001101362.3 (MANE Select); coding-DNA position 861, C replaced by T.
Protein change: p.Phe287=; no amino-acid change (phenylalanine 287 retained).
Molecular consequence: synonymous variant.
Genome position (GRCh38, 1-based): chr15:65,077,676, C>T. VCF-style: chr15-65077676-C-T. GRCh37 (hg19) VCF-style: chr15-65370014-C-T.
Identifiers: ClinVar variation 705006 (VCV000705006.10), dbSNP rs777259450, ClinGen allele CA7614001.

ClinVar aggregate classification (germline): Likely benign. Review status: criteria provided, single submitter (1 of 4 stars). 2 submissions from 2 submitters: Likely benign (1). 1 of the submissions does not count toward it. Last evaluated 2023-02-14.

Conditions:
KBTBD13-related disorder. Also called: KBTBD13-related condition.
Nemaline myopathy 6 (NEM6). Also called: Nemaline myopathy 6, autosomal dominant. Identifiers: Orphanet 171439, MedGen C1836472, MONDO:0012237, OMIM 609273.

Allele frequency attached by ClinVar (database versions not stated): TOPMed 0.00001; gnomAD exomes 0.00003; ExAC 0.00004.

Submissions (2):

Labcorp Genetics (formerly Invitae), Labcorp
Classification: Likely benign for Nemaline myopathy 6. Last evaluated: 2023-02-14. Review status: criteria provided, single submitter. Criteria: Invitae Variant Classification Sherloc (09022015). Collection method: clinical testing. Allele origin: germline.

PreventionGenetics, part of Exact Sciences
Classification: Likely benign for KBTBD13-related condition. Last evaluated: 2020-05-21. Review status: no assertion criteria provided. Collection method: clinical testing. Allele origin: germline. Not counted in ClinVar's aggregate classification.
Comment: This variant is classified as likely benign based on ACMG/AMP sequence variant interpretation guidelines (Richards et al. 2015 PMID: 25741868, with internal and published modifications).